The following is an entry in ClinVar:

ClinVar aggregate classification (germline): Uncertain significance. Review status: criteria provided, multiple submitters, no conflicts (2 of 4 stars). 3 submissions from 3 submitters: Uncertain significance (3). Last evaluated 2024-06-11.

Conditions:
Cardiovascular phenotype. Identifiers: MedGen CN230736.
Cardiomyopathy (CMYO). Also called: Cardiomyopathies. Identifiers: Orphanet 167848, MedGen C0878544, MONDO:0004994, HP:0001638. Inheritance: Various modes of inheritance.
Arrhythmogenic cardiomyopathy with wooly hair and keratoderma. Also called: PALMOPLANTAR KERATODERMA WITH LEFT VENTRICULAR CARDIOMYOPATHY AND WOOLLY HAIR; Carvajal syndrome; Dilated cardiomyopathy with woolly hair and keratoderma; Arrhythmogenic cardiomyopathy with woolly hair and keratoderma. Identifiers: Orphanet 65282, MedGen C1854063, MONDO:0011581, OMIM 605676.

Allele frequency attached by ClinVar (database versions not stated): gnomAD exomes below 0.00001.

Submissions (3):

Ambry Genetics
Classification: Uncertain significance for Cardiovascular phenotype. Last evaluated: 2024-06-11. Review status: criteria provided, single submitter. Criteria: Ambry Variant Classification Scheme 2023. Collection method: clinical testing. Allele origin: germline.
Comment: The p.T2634A variant (also known as c.7900A>G), located in coding exon 24 of the DSP gene, results from an A to G substitution at nucleotide position 7900. The threonine at codon 2634 is replaced by alanine, an amino acid with similar properties. This amino acid position is conserved. In addition, this alteration is predicted to be tolerated by in silico analysis. Based on the available evidence, the clinical significance of this variant remains unclear.

Color Diagnostics, LLC DBA Color Health
Classification: Uncertain significance for Cardiomyopathy. Last evaluated: 2024-03-06. Review status: criteria provided, single submitter. Criteria: ACMG Guidelines, 2015. Collection method: clinical testing. Allele origin: germline.
Comment: This missense variant replaces threonine with alanine at codon 2634 of the DSP protein. Computational prediction suggests that this variant may not impact protein structure and function (internally defined REVEL score threshold <= 0.5, PMID: 27666373). To our knowledge, functional studies have not been reported for this variant. This variant has not been reported in individuals affected with cardiovascular disorders in the literature. This variant has been identified in 1/250716 chromosomes in the general population by the Genome Aggregation Database (gnomAD). The available evidence is insufficient to determine the role of this variant in disease conclusively. Therefore, this variant is classified as a Variant of Uncertain Significance.

All of Us Research Program, National Institutes of Health
Classification: Uncertain significance for Arrhythmogenic cardiomyopathy with wooly hair and keratoderma. Last evaluated: 2023-12-13. Review status: criteria provided, single submitter. Criteria: ACMG Guidelines, 2015. Collection method: clinical testing. Allele origin: germline. Inheritance: Autosomal dominant inheritance. Observed: 1 variant allele, 1 heterozygote.
Comment: This missense variant replaces threonine with alanine at codon 2634 of the DSP protein. Computational prediction suggests that this variant may not impact protein structure and function (internally defined REVEL score threshold <= 0.5, PMID: 27666373). To our knowledge, functional studies have not been reported for this variant. This variant has not been reported in individuals affected with cardiovascular disorders in the literature. This variant has been identified in 1/250716 chromosomes in the general population by the Genome Aggregation Database (gnomAD). The available evidence is insufficient to determine the role of this variant in disease conclusively. Therefore, this variant is classified as a Variant of Uncertain Significance.

This study involves interpretation of variants in research participants for the purpose of population health screening. Participant phenotype was not available at the time of variant classification. Additional details can be found in publication PMID: 35346344, PMCID: PMC8962531

NM_004415.4(DSP):c.7900A>G (p.Thr2634Ala)

Gene: DSP (desmoplakin; plus strand). Cytogenetic location: 6p24.3.
Variant type: single nucleotide variant.
Coding change: c.7900A>G on transcript NM_004415.4 (MANE Select); coding-DNA position 7900, A replaced by G.
Protein change: p.Thr2634Ala; replaces threonine 2634 with alanine.
Molecular consequence: missense variant.
Genome position (GRCh38, 1-based): chr6:7,585,162, A>G. VCF-style: chr6-7585162-A-G. GRCh37 (hg19) VCF-style: chr6-7585395-A-G.
Other names: c.6103A>G, p.Thr2035Ala (NM_001008844.3); c.6571A>G, p.Thr2191Ala (NM_001319034.2); short protein forms T2035A, T2191A, T2634A.
Identifiers: ClinVar variation 928416 (VCV000928416.7), dbSNP rs373200747, ClinGen allele CA133976775.